The following is an entry in ClinVar:

ClinVar aggregate classification (germline): Likely pathogenic (1 of 4 stars; one submission).

Conditions:
Ciliary dyskinesia, primary, 37 (CILD37). Also called: CILIARY DYSKINESIA, PRIMARY, 37, WITH OR WITHOUT SITUS INVERSUS. Identifiers: MedGen C4539798, MONDO:0033204, OMIM 617577.
Spermatogenic failure 18. Identifiers: MedGen C4539783, MONDO:0054615, OMIM 617576.

Allele frequency attached by ClinVar (database versions not stated): TOPMed below 0.00001; gnomAD 0.00001.
gnomAD v4.1: 2 of 1,576,104 alleles (0.00013%); highest among the groups gnomAD compares: African/African-American, 0.0014%; no homozygotes.

Submission:

Labcorp Genetics (formerly Invitae), Labcorp
Classification: Likely pathogenic for Ciliary dyskinesia, primary, 37; Spermatogenic failure 18. Last evaluated: 2022-10-26. Review status: criteria provided, single submitter. Criteria: Invitae Variant Classification Sherloc (09022015). Collection method: clinical testing. Allele origin: germline.
Comment: This sequence change affects a donor splice site in intron 23 of the DNAH1 gene. It is expected to disrupt RNA splicing. Variants that disrupt the donor or acceptor splice site typically lead to a loss of protein function (PMID: 16199547), and loss-of-function variants in DNAH1 are known to be pathogenic (PMID: 27573432, 27798045). This variant is not present in population databases (gnomAD no frequency). This variant has not been reported in the literature in individuals affected with DNAH1-related conditions. ClinVar contains an entry for this variant (Variation ID: 1483312). Algorithms developed to predict the effect of sequence changes on RNA splicing suggest that this variant may disrupt the consensus splice site. In summary, the currently available evidence indicates that the variant is pathogenic, but additional data are needed to prove that conclusively. Therefore, this variant has been classified as Likely Pathogenic.

Literature cited by the submitters: PubMed 16199547; PubMed 27573432; PubMed 27798045.

NM_015512.5(DNAH1):c.3980+1G>C

Gene: DNAH1 (dynein axonemal heavy chain 1; plus strand). Cytogenetic location: 3p21.1.
Variant type: single nucleotide variant.
Coding change: c.3980+1G>C on transcript NM_015512.5 (MANE Select); the canonical splice donor site of the intron after coding-DNA position 3980, G replaced by C.
Molecular consequence: splice donor variant.
Genome position (GRCh38, 1-based): chr3:52,357,736, G>C. VCF-style: chr3-52357736-G-C. GRCh37 (hg19) VCF-style: chr3-52391752-G-C.
Identifiers: ClinVar variation 1483312 (VCV001483312.6), dbSNP rs1483000682, ClinGen allele CA353123207.
Genomic context (GRCh38, chr3:52,357,736, plus strand): 5'-GGACCTGGTGCAGAAGGGCCTCAGCGAGTATCTGGAGACCAAGAGGAGCGCCTTCCCCAG[G>C]TGGGCGCCACCTGGCCATGCCCACTCCGCCACTGTCTGCCCACAAGGCTGAGGTGTCCAG-3'